The following is an entry in ClinVar:

NM_001458.5(FLNC):c.2984G>A (p.Gly995Asp)

Gene: FLNC (filamin C; plus strand). Cytogenetic location: 7q32.1.
Variant type: single nucleotide variant.
Coding change: c.2984G>A on transcript NM_001458.5 (MANE Select); coding-DNA position 2984, G replaced by A.
Protein change: p.Gly995Asp; replaces glycine 995 with aspartic acid.
Molecular consequence: missense variant.
Genome position (GRCh38, 1-based): chr7:128,844,058, G>A. VCF-style: chr7-128844058-G-A. GRCh37 (hg19) VCF-style: chr7-128484112-G-A.
Other names: c.2984G>A, p.Gly995Asp (NM_001127487.2); short protein forms G995D.
Identifiers: ClinVar variation 845116 (VCV000845116.11), dbSNP rs1808452430, ClinGen allele CA369193831.

ClinVar aggregate classification (germline): Uncertain significance. Review status: criteria provided, multiple submitters, no conflicts (2 of 4 stars). 3 submissions from 3 submitters: Uncertain significance (3). Last evaluated 2025-12-01.

Conditions:
Distal myopathy with posterior leg and anterior hand involvement. Also called: WILLIAMS DISTAL MYOPATHY. Identifiers: Orphanet 63273, MedGen C3279722, MONDO:0013550, OMIM 614065.
Myofibrillar myopathy 5. Also called: Filaminopathy (type); FILAMINOPATHY, AUTOSOMAL DOMINANT. Identifiers: Orphanet 171445, MedGen C1836050, MONDO:0012289, OMIM 609524.
Hypertrophic cardiomyopathy 26. Also called: Cardiomyopathy, familial hypertrophic, 26. Identifiers: Orphanet 75249, MedGen C4310749, MONDO:0014883, OMIM 617047.

Allele frequency attached by ClinVar (database versions not stated): gnomAD exomes below 0.00001.
gnomAD v4.1: 2 of 1,614,084 alleles (0.00012%); highest among the groups gnomAD compares: Non-Finnish European, 0.00017%; no homozygotes.

Submissions (3):

Labcorp Genetics (formerly Invitae), Labcorp
Classification: Uncertain significance for Distal myopathy with posterior leg and anterior hand involvement; Myofibrillar myopathy 5; Hypertrophic cardiomyopathy 26. Last evaluated: 2025-12-01. Review status: criteria provided, single submitter. Criteria: Invitae Variant Classification Sherloc (09022015). Collection method: clinical testing. Allele origin: germline.
Comment: This sequence change replaces glycine, which is neutral and non-polar, with aspartic acid, which is acidic and polar, at codon 995 of the FLNC protein (p.Gly995Asp). This variant is not present in population databases (gnomAD no frequency). This variant has not been reported in the literature in individuals affected with FLNC-related conditions. ClinVar contains an entry for this variant (Variation ID: 845116). Invitae Evidence Modeling of protein sequence and biophysical properties (such as structural, functional, and spatial information, amino acid conservation, physicochemical variation, residue mobility, and thermodynamic stability) has been performed for this missense variant. However, the output from this modeling did not meet the statistical confidence thresholds required to predict the impact of this variant on FLNC protein function. In summary, the available evidence is currently insufficient to determine the role of this variant in disease. Therefore, it has been classified as a Variant of Uncertain Significance.

GeneDx
Classification: Uncertain significance. Last evaluated: 2022-12-12. Review status: criteria provided, single submitter. Criteria: GeneDx Variant Classification Process June 2021. Collection method: clinical testing. Allele origin: germline. Affected: yes.
Comment: Not observed at significant frequency in large population cohorts (gnomAD); In silico analysis supports that this missense variant has a deleterious effect on protein structure/function; Has not been previously published as pathogenic or benign to our knowledge

Blueprint Genetics
Classification: Uncertain significance. Last evaluated: 2019-10-30. Review status: criteria provided, single submitter. Criteria: ACMG Guidelines, 2015. Collection method: clinical testing. Allele origin: germline.